The following is an entry in ClinVar:

ClinVar aggregate classification (germline): Uncertain significance. Review status: criteria provided, multiple submitters, no conflicts (2 of 4 stars). 2 submissions from 2 submitters: Uncertain significance (2). Last evaluated 2021-12-22.

Conditions:
Hypertrophic cardiomyopathy. Also called: HYPERTROPHIC MYOCARDIOPATHY. Identifiers: Orphanet 217569, MedGen C0007194, MeSH D002312, MONDO:0005045, HP:0001639.
Primary dilated cardiomyopathy (DCM). Also called: Dilated Cardiomyopathy. Identifiers: Orphanet 217604, MedGen C0007193, MeSH D002311, MONDO:0005021, HP:0001644. Inheritance: Various modes of inheritance.

Allele frequency attached by ClinVar (database versions not stated): TOPMed 0.00001.

Submissions (2):

GeneDx
Classification: Uncertain significance. Last evaluated: 2021-12-22. Review status: criteria provided, single submitter. Criteria: GeneDx Variant Classification Process June 2021. Collection method: clinical testing. Allele origin: germline. Affected: yes.
Comment: Not observed at significant frequency in large population cohorts (Lek et al., 2016); In silico analysis supports that this missense variant does not alter protein structure/function; Has not been previously published as pathogenic or benign to our knowledge; Variants in candidate genes are classified as variants of uncertain significance in accordance with ACMG guidelines (Richards et al., 2015)

Labcorp Genetics (formerly Invitae), Labcorp
Classification: Uncertain significance for Hypertrophic cardiomyopathy; Primary dilated cardiomyopathy. Last evaluated: 2021-12-18. Review status: criteria provided, single submitter. Criteria: Invitae Variant Classification Sherloc (09022015). Collection method: clinical testing. Allele origin: germline.
Comment: In summary, the available evidence is currently insufficient to determine the role of this variant in disease. Therefore, it has been classified as a Variant of Uncertain Significance. Algorithms developed to predict the effect of missense changes on protein structure and function are either unavailable or do not agree on the potential impact of this missense change (SIFT: "Deleterious"; PolyPhen-2: "Benign"; Align-GVGD: "Class C55"). ClinVar contains an entry for this variant (Variation ID: 451734). This variant has not been reported in the literature in individuals affected with PDLIM3-related conditions. This variant is not present in population databases (gnomAD no frequency). This sequence change replaces alanine, which is neutral and non-polar, with valine, which is neutral and non-polar, at codon 347 of the PDLIM3 protein (p.Ala347Val).

NM_014476.6(PDLIM3):c.1040C>T (p.Ala347Val)

Gene: PDLIM3 (PDZ and LIM domain 3; minus strand). Cytogenetic location: 4q35.1.
Variant type: single nucleotide variant.
Coding change: c.1040C>T on transcript NM_014476.6 (MANE Select); coding-DNA position 1040, C replaced by T.
Protein change: p.Ala347Val; replaces alanine 347 with valine.
Molecular consequence: missense variant. On other transcripts: non-coding transcript variant (1).
Genome position (GRCh38, 1-based): chr4:185,502,349, G>A on the plus strand (C>T on the coding strand, the complement: PDLIM3 is on the minus strand). VCF-style: chr4-185502349-G-A. GRCh37 (hg19) VCF-style: chr4-186423503-G-A.
Other names: c.896C>T, p.Ala299Val (NM_001114107.5); c.776C>T, p.Ala259Val (NM_001257962.2); c.539C>T, p.Ala180Val (NM_001257963.2); short protein forms A347V, A180V, A259V, A299V.
Identifiers: ClinVar variation 451734 (VCV000451734.8), dbSNP rs1179953014, ClinGen allele CA358919256.